The following is an entry in ClinVar:

ClinVar aggregate classification (germline): Uncertain significance (1 of 4 stars; one submission).

Conditions:
CEP164-related disorder. Also called: CEP164-related condition.

Submission:

PreventionGenetics, part of Exact Sciences
Classification: Uncertain significance for CEP164-related condition. Last evaluated: 2025-12-17. Review status: criteria provided, single submitter. Criteria: ACMG Guidelines, 2015. Collection method: clinical testing. Allele origin: germline.
Comment: The CEP164 c.2248C>G variant is predicted to result in the amino acid substitution p.Gln750Glu. To our knowledge, this variant has not been reported in the literature or in a large population database (gnomAD), indicating this variant is rare. At this time, the clinical significance of this variant is uncertain due to the absence of conclusive functional and genetic evidence.

NM_014956.5(CEP164):c.2248C>G (p.Gln750Glu)

Gene: CEP164 (centrosomal protein 164; plus strand). Cytogenetic location: 11q23.3.
Variant type: single nucleotide variant.
Coding change: c.2248C>G on transcript NM_014956.5 (MANE Select); coding-DNA position 2248, C replaced by G.
Protein change: p.Gln750Glu; replaces glutamine 750 with glutamic acid.
Molecular consequence: missense variant.
Genome position (GRCh38, 1-based): chr11:117,391,180, C>G. VCF-style: chr11-117391180-C-G. GRCh37 (hg19) VCF-style: chr11-117261896-C-G.
Other names: c.2257C>G, p.Gln753Glu (NM_001271933.2, NM_001440949.1); c.2248C>G, p.Gln750Glu (NM_001440950.1, NM_001440951.1, NM_001440953.1); c.2083C>G, p.Gln695Glu (NM_001440952.1, NM_001440968.1, NM_001440969.1); c.2170C>G, p.Gln724Glu (NM_001440954.1, NM_001440955.1, NM_001440958.1 and 1 more transcripts); c.2161C>G, p.Gln721Glu (NM_001440956.1, NM_001440957.1); c.2119C>G, p.Gln707Glu (NM_001440960.1); c.2110C>G, p.Gln704Glu (NM_001440961.1, NM_001440967.1); c.2101C>G, p.Gln701Glu (NM_001440962.1, NM_001440963.1, NM_001440964.1 and 4 more transcripts); and 7 more; short protein forms Q654E, Q680E, Q697E, Q625E, Q631E, Q675E, Q695E, Q704E.
Identifiers: ClinVar variation 4991239 (VCV004991239.1).
Genomic context (GRCh38, chr11:117,391,180, plus strand): 5'-GAGGCTTCGGAGAAGAGCGAGCAGGCTGCCCTGAATGCTGCAAAGGAGAAGGCTCTGCAG[C>G]AGCTGAGGGAGCAGCTGGAAGGGGAGAGGAAAGAAGTGAGCTAGTCAAGTGGGGACCTCA-3'
Protein context (NP_055771.4, residues 740-760): LNAAKEKALQ[Gln750Glu]LREQLEGERK